The following is an entry in ClinVar:

ClinVar aggregate classification (germline): Pathogenic (1 of 4 stars; one submission).

Conditions:
Primary ciliary dyskinesia 33. Also called: CILIARY DYSKINESIA, PRIMARY, 33, WITHOUT SITUS INVERSUS. Identifiers: Orphanet 244, MedGen C4225230, MONDO:0014750, OMIM 616726.

Allele frequency attached by ClinVar (database versions not stated): TOPMed 0.00001; gnomAD 0.00001; gnomAD exomes 0.00005.
gnomAD v4.1: 70 of 1,612,314 alleles (0.0043%); highest among the groups gnomAD compares: Non-Finnish European, 0.0057%; no homozygotes.

Submission:

Labcorp Genetics (formerly Invitae), Labcorp
Classification: Pathogenic for Primary ciliary dyskinesia 33. Last evaluated: 2025-06-04. Review status: criteria provided, single submitter. Criteria: Invitae Variant Classification Sherloc (09022015). Collection method: clinical testing. Allele origin: germline.
Comment: This sequence change creates a premature translational stop signal (p.Glu33*) in the GAS8 gene. It is expected to result in an absent or disrupted protein product. Loss-of-function variants in GAS8 are known to be pathogenic (PMID: 26387594). This variant is present in population databases (rs765877577, gnomAD 0.002%). This variant has not been reported in the literature in individuals affected with GAS8-related conditions. ClinVar contains an entry for this variant (Variation ID: 2898953). For these reasons, this variant has been classified as Pathogenic.

Literature cited by the submitters: PubMed 26387594.

NM_001481.3(DRC4):c.97G>T (p.Glu33Ter)

Gene: DRC4 (dynein regulatory complex subunit 4; plus strand). Cytogenetic location: 16q24.3.
Variant type: single nucleotide variant.
Coding change: c.97G>T on transcript NM_001481.3 (MANE Select); coding-DNA position 97, G replaced by T.
Protein change: p.Glu33Ter; replaces glutamic acid 33 with a stop codon.
Molecular consequence: nonsense. On other transcripts: 5 prime UTR variant (2).
Genome position (GRCh38, 1-based): chr16:90,031,305, G>T. VCF-style: chr16-90031305-G-T. GRCh37 (hg19) VCF-style: chr16-90097713-G-T.
Other names: c.-153G>T (NM_001286205.2); c.-425G>T (NM_001286208.2); c.22G>T, p.Glu8Ter (NM_001286209.2); short protein forms E33*, E8*.
Identifiers: ClinVar variation 2898953 (VCV002898953.3), dbSNP rs765877577, ClinGen allele CA286653492.